The following is an entry in ClinVar:

ClinVar aggregate classification (germline): Pathogenic (1 of 4 stars; one submission).

Conditions:
Polycystic kidney disease, adult type (PKD1). Also called: POLYCYSTIC KIDNEY DISEASE 1 WITH OR WITHOUT POLYCYSTIC LIVER DISEASE; Polycystic Kidney Disease 1, Autosomal Dominant; Polycystic kidney disease 1; Polycystic kidney disease 1, severe; Polycystic Kidney, Autosomal Dominant; POLYCYSTIC KIDNEY DISEASE, ADULT, TYPE I. Identifiers: MedGen C3149841, MONDO:0008263, OMIM 173900.

Submission:

Cavalleri Lab, Royal College of Surgeons in Ireland
Classification: Pathogenic for Polycystic kidney disease, adult type. Last evaluated: 2020-02-05. Review status: criteria provided, single submitter. Criteria: ACMG Guidelines, 2015. Collection method: research. Allele origin: unknown. Inheritance: Autosomal dominant inheritance. Affected: yes.
Comment: PVS1, PM2, PP4

NM_001009944.3(PKD1):c.1171dup (p.Ile391fs)

Gene: PKD1 (polycystin 1, transient receptor potential channel interacting; minus strand). Cytogenetic location: 16p13.3.
Variant type: Duplication.
Coding change: c.1171dup on transcript NM_001009944.3 (MANE Select); coding-DNA position 1171, one base duplicated (A; older notation c.1171dupA).
Protein change: p.Ile391fs; shifts the reading frame from isoleucine 391.
Molecular consequence: frameshift variant.
Genome position (GRCh38, 1-based): chr16:2,117,821, T duplicated on the plus strand (A on the coding strand, the reverse complement: PKD1 is on the minus strand). VCF-style (leftmost placement, unchanged base first): chr16-2117820-A-AT. GRCh37 (hg19) VCF-style: chr16-2167821-A-AT.
Other names: c.1171dup, p.Ile391fs (NM_000296.4); c.1171dupA (NM_001009944.3); short protein forms I391fs.
Identifiers: ClinVar variation 873372 (VCV000873372.1), dbSNP rs2092665584, ClinGen allele CA1139664401.